The following is an entry in ClinVar:

ClinVar aggregate classification (germline): Conflicting classifications of pathogenicity. Review status: criteria provided, conflicting classifications (1 of 4 stars). 5 submissions from 5 submitters: Uncertain significance (4); Likely benign (1). Last evaluated 2026-05-18.

Conditions:
Norman-Roberts syndrome (LIS2). Also called: Lissencephaly 2 (Norman-Roberts type). Identifiers: Orphanet 89844, MedGen C0796089, MONDO:0009760, OMIM 257320.
Familial temporal lobe epilepsy 7. Identifiers: Orphanet 101046, MedGen C4225327, MONDO:0014639, OMIM 616436.
Inborn genetic diseases. Identifiers: MedGen C0950123, MeSH D030342.
Epilepsy, familial temporal lobe, 1. Identifiers: Orphanet 101046, MedGen CN030884, MONDO:0700090, OMIM 600512.

Allele frequency attached by ClinVar (database versions not stated): ExAC 0.00003; gnomAD exomes 0.00004 and 0.00013; gnomAD 0.00006 and 0.00007; TOPMed 0.00006.
gnomAD v4.1: 191 of 1,607,654 alleles (0.012%); highest among the groups gnomAD compares: Non-Finnish European, 0.016%; no homozygotes.

Submissions (5):

Women's Health and Genetics/Laboratory Corporation of America, LabCorp
Classification: Uncertain significance. Last evaluated: 2026-05-18. Review status: criteria provided, single submitter. Criteria: LabCorp Variant Classification Summary - May 2015. Collection method: clinical testing. Allele origin: germline.
Comment: Variant summary: RELN c.5246A>G (p.Asn1749Ser) results in a conservative amino acid change in the encoded protein sequence. Algorithms developed to predict the effect of missense changes on protein structure and function are either unavailable or do not agree on the potential impact of this missense change. The variant allele was found at a frequency of 4e-05 in 250740 control chromosomes. This frequency is not significantly higher than estimated for disease-causing variants in RELN, allowing no conclusion about variant significance. To our knowledge, no occurrence of c.5246A>G in individuals affected with RELN-related conditions and no experimental evidence demonstrating its impact on protein function have been reported. ClinVar contains an entry for this variant (Variation ID: 1040242). Based on the evidence outlined above, the variant was classified as uncertain significance.

Labcorp Genetics (formerly Invitae), Labcorp
Classification: Likely benign for Familial temporal lobe epilepsy 7; Norman-Roberts syndrome. Last evaluated: 2026-01-11. Review status: criteria provided, single submitter. Criteria: Invitae Variant Classification Sherloc (09022015). Collection method: clinical testing. Allele origin: germline.

CeGaT Center for Human Genetics Tuebingen
Classification: Uncertain significance. Last evaluated: 2022-06-01. Review status: criteria provided, single submitter. Criteria: CeGaT Center For Human Genetics Tuebingen Variant Classification Criteria Version 2. Collection method: clinical testing. Allele origin: germline. Affected: yes. Observed: 2 variant alleles.
Comment: RELN: PM2:Supporting, BP4

Fulgent Genetics
Classification: Uncertain significance for Norman-Roberts syndrome; Epilepsy, familial temporal lobe, 1; Familial temporal lobe epilepsy 7. Last evaluated: 2021-10-20. Review status: criteria provided, single submitter. Criteria: ACMG Guidelines, 2015. Collection method: clinical testing. Allele origin: unknown.

Ambry Genetics
Classification: Uncertain significance for Inborn genetic diseases. Last evaluated: 2021-08-02. Review status: criteria provided, single submitter. Criteria: Ambry Variant Classification Scheme 2023. Collection method: clinical testing. Allele origin: germline.

NM_005045.4(RELN):c.5246A>G (p.Asn1749Ser)

Gene: RELN (reelin; minus strand). Cytogenetic location: 7q22.1.
Variant type: single nucleotide variant.
Coding change: c.5246A>G on transcript NM_005045.4 (MANE Select); coding-DNA position 5246, A replaced by G.
Protein change: p.Asn1749Ser; replaces asparagine 1749 with serine.
Molecular consequence: missense variant.
Genome position (GRCh38, 1-based): chr7:103,561,918, T>C on the plus strand (A>G on the coding strand, the complement: RELN is on the minus strand). VCF-style: chr7-103561918-T-C. GRCh37 (hg19) VCF-style: chr7-103202365-T-C.
Other names: c.5246A>G (NM_005045.3); c.5246A>G, p.Asn1749Ser (NM_173054.3); short protein forms N1749S.
Identifiers: ClinVar variation 1040242 (VCV001040242.36), dbSNP rs755596079, ClinGen allele CA4421264.